The following is an entry in ClinVar:

ClinVar aggregate classification (germline): Pathogenic/Likely pathogenic. Review status: criteria provided, multiple submitters, no conflicts (2 of 4 stars). 6 submissions from 6 submitters: Pathogenic (4); Likely pathogenic (2). Last evaluated 2025-04-28.

Conditions:
Coffin-Siris syndrome 1 (CSS1). Also called: Mental retardation, autosomal dominant 12; ARID1B-Related Coffin-Siris Syndrome. Identifiers: Orphanet 1465, MedGen C3281201, MONDO:0007617, OMIM 135900. Disease mechanism: gain of function.

Submissions (6):

GeneDx
Classification: Pathogenic. Last evaluated: 2025-04-28. Review status: criteria provided, single submitter. Criteria: GeneDx Variant Classification Process June 2021. Collection method: clinical testing. Allele origin: germline. Affected: yes.
Comment: Frameshift variant predicted to result in protein truncation, as the last 452 amino acids are replaced with 51 different amino acids, and other loss-of-function variants have been reported downstream in the Human Gene Mutation Database (HGMD); Not observed in large population cohorts (gnomAD); This variant is associated with the following publications: (PMID: 35982160, 33057194, 37595579, 35982159, 25363768, 22495309, 23929686, 28191890, 30349098, 31332282, 31981491, 31785789)

3billion
Classification: Pathogenic for Coffin-Siris syndrome 1. Last evaluated: 2022-05-22. Review status: criteria provided, single submitter. Criteria: ACMG Guidelines, 2015. Collection method: clinical testing. Allele origin: germline. Affected: yes. Observed: 1 heterozygote.
Comment: This variant has been reported as pathogenic more than twice (ClinVar ID: VCV000434390, PMID:23929686), along with assertion criteria based on the ACMG guidelines. It is absent from the gnomAD v2.1.1 dataset. The deletion creates a frameshift variant within 50 bp downstream of the penultimate exon or last exon. While it is expected to escape nonsense-mediated decay, the truncated region is considered critical. Therefore, this variant is classified as pathogenic according to the recommendation of ACMG/AMP guideline.

Genome-Nilou Lab
Classification: Likely pathogenic for Coffin-Siris syndrome 1. Last evaluated: 2021-07-15. Review status: criteria provided, single submitter. Criteria: ACMG Guidelines, 2015. Collection method: clinical testing. Allele origin: germline. Affected: no.

Clinical Genetics and Genomics, Karolinska University Hospital
Classification: Pathogenic. Last evaluated: 2020-02-03. Review status: criteria provided, single submitter. Criteria: ACMG Guidelines, 2015. Collection method: clinical testing. Allele origin: germline. Affected: yes. Observed: 1 variant allele.

Laboratory of Molecular Genetics (Pr. Bezieau's lab), CHU de Nantes
Classification: Likely pathogenic. Last evaluated: 2018-07-25. Review status: criteria provided, single submitter. Criteria: ACMG Guidelines, 2015. Collection method: clinical testing. Allele origin: germline. Affected: yes.

Genetic Services Laboratory, University of Chicago
Classification: Pathogenic for Mental retardation, autosomal dominant 12. Last evaluated: 2016-04-28. Review status: criteria provided, single submitter. Criteria: ACMG Guidelines, 2015. Collection method: clinical testing. Allele origin: germline. Affected: yes.

Literature cited by the submitters: PubMed 23929686 (cited by 3billion).

NM_001374828.1(ARID1B):c.5763_5766del (p.Phe1921fs)

Gene: ARID1B (AT-rich interaction domain 1B; plus strand). Cytogenetic location: 6q25.3.
Variant type: Microsatellite.
Coding change: c.5763_5766del on transcript NM_001374828.1 (MANE Select); coding-DNA positions 5763 to 5766, 4 bases deleted (TGTT; older notation c.5763_5766delTGTT).
Protein change: p.Phe1921fs; shifts the reading frame from phenylalanine 1921.
Molecular consequence: frameshift variant.
Genome position (GRCh38, 1-based): chr6:157,206,535-157,206,538, TGTT deleted; deleting any 4 consecutive bases within chr6:157,206,531-157,206,538 gives the same sequence; the c. name uses the placement nearest the transcript's 3' end. VCF-style (leftmost placement, unchanged base first): chr6-157206530-CTGTT-C. GRCh37 (hg19) VCF-style: chr6-157527664-CTGTT-C.
Other names: c.5394_5397delTGTT (NM_020732.3); c.5514_5517del (NM_001346813.1); c.5394_5397del (NM_020732.3); c.3264_3267del, p.Phe1088fs (NM_001363725.2); c.5643_5646del, p.Phe1881fs (NM_001371656.1, NM_001374820.1); c.5604_5607del, p.Phe1868fs (NM_017519.3); short protein forms F1088fs, F1868fs, F1881fs, F1921fs.
Identifiers: ClinVar variation 434390 (VCV000434390.14), dbSNP rs1554237269, ClinGen allele CA645372828.
Genomic context (GRCh38, chr6:157,206,530, plus strand): 5'-AAGCCCAAGCAAGCCAGTAAGTTCGACAAGCTGCCAATAAAGATAGTCAAAAAGAACAAC[CTGTT>C]TGTTGTTGACCGATCTGACAAGTTGGGGCGTGTGCAGGAGTTCAATAGTGGCCTTCTGCA-3'